The following is an entry in ClinVar:

NM_001283009.2(RTEL1):c.1932G>A (p.Thr644=)

Genes: RTEL1 (regulator of telomere elongation helicase 1; plus strand), RTEL1-TNFRSF6B (RTEL1-TNFRSF6B readthrough (NMD candidate); plus strand). Cytogenetic location: 20q13.33.
Variant type: single nucleotide variant.
Coding change: c.1932G>A on transcript NM_001283009.2 (MANE Select); coding-DNA position 1932, G replaced by A.
Protein change: p.Thr644=; no amino-acid change (threonine 644 retained).
Molecular consequence: synonymous variant. On other transcripts: non-coding transcript variant (1).
Genome position (GRCh38, 1-based): chr20:63,689,555, G>A. VCF-style: chr20-63689555-G-A. GRCh37 (hg19) VCF-style: chr20-62320908-G-A.
Other names: c.2004G>A (NM_032957.4); c.1263G>A, p.Thr421= (NM_001283010.1); c.1932G>A, p.Thr644= (NM_016434.4); c.2004G>A, p.Thr668= (NM_032957.5).
Identifiers: ClinVar variation 846578 (VCV000846578.9), dbSNP rs374107857, ClinGen allele CA317512759.
Genomic context (GRCh38, chr20:63,689,555, plus strand): 5'-CCCCTAGGCCAGCGAGGGGCTGGACTTCTCAGACACGAATGGCCGTGGTGTGATTGTCAC[G>A]GGCCTCCCGTACCCCCCACGCATGGACCCCCGGGTTGTCCTCAAGATGCAGTTCCTGGAT-3'
Protein context (NP_001269938.1, residues 634-654): SDTNGRGVIV[Thr644=]GLPYPPRMDP

ClinVar aggregate classification (germline): Uncertain significance. Review status: criteria provided, multiple submitters, no conflicts (2 of 4 stars). 4 submissions from 4 submitters: Uncertain significance (3). 1 of the submissions does not count toward it. Last evaluated 2025-07-10.

Conditions:
Dyskeratosis congenita, autosomal recessive 5 (DKCB5). Identifiers: MedGen C3554656, MONDO:0014076, OMIM 615190.
Pulmonary fibrosis and/or bone marrow failure, Telomere-related, 3. Also called: PULMONARY FIBROSIS AND/OR BONE MARROW FAILURE SYNDROME, TELOMERE-RELATED, 3. Identifiers: Orphanet 2032, MedGen C4225346, MONDO:0014613, OMIM 616373.
RTEL1-related disorder. Also called: RTEL1-related disorders; RTEL1-related condition.
Dyskeratosis congenita. Identifiers: Orphanet 1775, MedGen C0265965, MONDO:0015780.

Allele frequency attached by ClinVar (database versions not stated): TOPMed 0.00002; ESP Exome Variant Server 0.00008.
gnomAD v4.1: 9 of 1,611,362 alleles (0.00056%); highest among the groups gnomAD compares: Middle Eastern, 0.016%; no homozygotes.

Submissions (4):

Labcorp Genetics (formerly Invitae), Labcorp
Classification: Uncertain significance for Dyskeratosis congenita, autosomal recessive 5; Pulmonary fibrosis and/or bone marrow failure, Telomere-related, 3. Last evaluated: 2025-07-10. Review status: criteria provided, single submitter. Criteria: Invitae Variant Classification Sherloc (09022015). Collection method: clinical testing. Allele origin: germline.
Comment: This sequence change affects codon 644 of the RTEL1 mRNA. It is a 'silent' change, meaning that it does not change the encoded amino acid sequence of the RTEL1 protein. The frequency data for this variant in the population databases is considered unreliable, as metrics indicate poor data quality at this position in the gnomAD database. This variant has not been reported in the literature in individuals affected with RTEL1-related conditions. ClinVar contains an entry for this variant (Variation ID: 846578). Algorithms developed to predict the effect of sequence changes on RNA splicing suggest that this variant may create or strengthen a splice site. In summary, the available evidence is currently insufficient to determine the role of this variant in disease. Therefore, it has been classified as a Variant of Uncertain Significance.

PreventionGenetics, part of Exact Sciences
Classification: Uncertain significance for RTEL1-related condition. Last evaluated: 2025-02-13. Review status: criteria provided, single submitter. Criteria: ACMG Guidelines, 2015. Collection method: clinical testing. Allele origin: germline.
Comment: The RTEL1 c.2004G>A variant is not predicted to result in an amino acid change (p.=). This variant is predicted to alter splicing based on available splicing prediction programs (SpliceAI, Jaganathan et al. 2019. PubMed ID: 30661751). To our knowledge, this variant has not been reported in the literature. This variant is reported in 0.0041% of alleles in individuals of African descent in gnomAD. At this time, the clinical significance of this variant is uncertain due to the absence of conclusive functional and genetic evidence.

GeneDx
Classification: Uncertain significance. Last evaluated: 2023-04-05. Review status: criteria provided, single submitter. Criteria: GeneDx Variant Classification Process June 2021. Collection method: clinical testing. Allele origin: germline. Affected: yes.
Comment: Not observed at significant frequency in large population cohorts (gnomAD); Has not been previously published as pathogenic or benign to our knowledge; In silico analysis suggests this variant may impact gene splicing. In the absence of RNA/functional studies, the actual effect of this sequence change is unknown.

Natera, Inc.
Classification: Uncertain significance for Dyskeratosis congenita. Last evaluated: 2021-02-07. Review status: no assertion criteria provided. Collection method: clinical testing. Allele origin: germline. Not counted in ClinVar's aggregate classification.